The following is an entry in ClinVar:

NM_001083962.2(TCF4):c.1867C>T (p.Gln623Ter)

Gene: TCF4 (transcription factor 4; minus strand). Cytogenetic location: 18q21.2.
Variant type: single nucleotide variant.
Coding change: c.1867C>T on transcript NM_001083962.2 (MANE Select); coding-DNA position 1867, C replaced by T.
Protein change: p.Gln623Ter; replaces glutamine 623 with a stop codon.
Molecular consequence: nonsense.
Genome position (GRCh38, 1-based): chr18:55,228,859, G>A on the plus strand (C>T on the coding strand, the complement: TCF4 is on the minus strand). VCF-style: chr18-55228859-G-A. GRCh37 (hg19) VCF-style: chr18-52896090-G-A.
Other names: c.2173C>T, p.Gln725Ter (NM_001243226.3); c.1795C>T, p.Gln599Ter (NM_001243227.2, NM_001348218.2, NM_001348217.1 and 1 more transcripts); c.1885C>T, p.Gln629Ter (NM_001243228.2); c.1846C>T, p.Gln616Ter (NM_001243230.2); c.1729C>T, p.Gln577Ter (NM_001243231.2); c.1654C>T, p.Gln552Ter (NM_001243232.1); c.1465C>T, p.Gln489Ter (NM_001243233.2, NM_001348212.2); c.1387C>T, p.Gln463Ter (NM_001243234.2, NM_001348216.2); and 14 more; short protein forms Q407*, Q489*, Q552*, Q600*, Q725*, Q577*, Q581*, Q599*.
Identifiers: ClinVar variation 2138157 (VCV002138157.4), dbSNP rs1555709893, ClinGen allele CA402528138.

ClinVar aggregate classification (germline): Pathogenic (1 of 4 stars; one submission).

Conditions:
Pitt-Hopkins syndrome (PTHS). Also called: MENTAL RETARDATION, SYNDROMAL, WITH INTERMITTENT HYPERVENTILATION; ENCEPHALOPATHY, SEVERE EPILEPTIC, WITH AUTONOMIC DYSFUNCTION. Identifiers: Orphanet 2896, MedGen C1970431, MONDO:0012589, OMIM 610954.

Submission:

Labcorp Genetics (formerly Invitae), Labcorp
Classification: Pathogenic for Pitt-Hopkins syndrome. Last evaluated: 2024-08-31. Review status: criteria provided, single submitter. Criteria: Invitae Variant Classification Sherloc (09022015). Collection method: clinical testing. Allele origin: germline.
Comment: This sequence change creates a premature translational stop signal (p.Gln623*) in the TCF4 gene. It is expected to result in an absent or disrupted protein product. Loss-of-function variants in TCF4 are known to be pathogenic (PMID: 18728071, 22045651). This variant is not present in population databases (gnomAD no frequency). This premature translational stop signal has been observed in individual(s) with Pitt-Hopkins syndrome (PMID: 21671391). ClinVar contains an entry for this variant (Variation ID: 2138157). For these reasons, this variant has been classified as Pathogenic.

Literature cited by the submitters: PubMed 18728071; PubMed 22045651; PubMed 21671391.